The following is an entry in ClinVar:

NM_020937.4(FANCM):c.3221T>C (p.Ile1074Thr)

Gene: FANCM (FA complementation group M; plus strand). Cytogenetic location: 14q21.2.
Variant type: single nucleotide variant.
Coding change: c.3221T>C on transcript NM_020937.4 (MANE Select); coding-DNA position 3221, T replaced by C.
Protein change: p.Ile1074Thr; replaces isoleucine 1074 with threonine.
Molecular consequence: missense variant.
Genome position (GRCh38, 1-based): chr14:45,175,975, T>C. VCF-style: chr14-45175975-T-C. GRCh37 (hg19) VCF-style: chr14-45645178-T-C.
Other names: c.3143T>C, p.Ile1048Thr (NM_001308133.2); short protein forms I1074T, I1048T.
Identifiers: ClinVar variation 2234951 (VCV002234951.7), dbSNP rs774399423, ClinGen allele CA389600421.
Genomic context (GRCh38, chr14:45,175,975, plus strand): 5'-TTAAATGTATAAATTATCCATCTGAAAAAAGTTGCCTTTATGATATACCTAATGATAATA[T>C]TTCTGATGAGCCAAGTCTCTGTGACTGTGATGTACATAAACATAATCAAAATGAAAATTT-3'
Protein context (NP_065988.1, residues 1064-1084): SCLYDIPNDN[Ile1074Thr]SDEPSLCDCD

ClinVar aggregate classification (germline): Uncertain significance. Review status: criteria provided, multiple submitters, no conflicts (2 of 4 stars). 3 submissions from 3 submitters: Uncertain significance (3). Last evaluated 2025-09-03.

Conditions:
Fanconi anemia (FA). Also called: Fanconi's anemia. Identifiers: Orphanet 84, MedGen C0015625, MeSH D005199, MONDO:0019391.
Inborn genetic diseases. Identifiers: MedGen C0950123, MeSH D030342.

Allele frequency attached by ClinVar (database versions not stated): gnomAD 0.00001; TOPMed 0.00001.
gnomAD v4.1: 7 of 1,613,588 alleles (0.00043%); highest among the groups gnomAD compares: African/African-American, 0.0027%; no homozygotes.

Submissions (3):

GeneDx
Classification: Uncertain significance. Last evaluated: 2025-09-03. Review status: criteria provided, single submitter. Criteria: GeneDx Variant Classification Process June 2021. Collection method: clinical testing. Allele origin: germline.
Comment: Not observed at significant frequency in large population cohorts (gnomAD); In silico analysis suggests that this missense variant does not alter protein structure/function; Has not been previously published as pathogenic or benign to our knowledge

Ambry Genetics
Classification: Uncertain significance for Inborn genetic diseases. Last evaluated: 2024-12-24. Review status: criteria provided, single submitter. Criteria: Ambry Variant Classification Scheme 2023. Collection method: clinical testing. Allele origin: germline.
Comment: The p.I1074T variant (also known as c.3221T>C), located in coding exon 14 of the FANCM gene, results from a T to C substitution at nucleotide position 3221. The isoleucine at codon 1074 is replaced by threonine, an amino acid with similar properties. This amino acid position is conserved. In addition, this alteration is predicted to be tolerated by in silico analysis. Based on the available evidence, the clinical significance of this variant remains unclear.

Labcorp Genetics (formerly Invitae), Labcorp
Classification: Uncertain significance for Fanconi anemia. Last evaluated: 2023-10-27. Review status: criteria provided, single submitter. Criteria: Invitae Variant Classification Sherloc (09022015). Collection method: clinical testing. Allele origin: germline.
Comment: This sequence change replaces isoleucine, which is neutral and non-polar, with threonine, which is neutral and polar, at codon 1074 of the FANCM protein (p.Ile1074Thr). This variant is not present in population databases (gnomAD no frequency). This variant has not been reported in the literature in individuals affected with FANCM-related conditions. ClinVar contains an entry for this variant (Variation ID: 2234951). Algorithms developed to predict the effect of missense changes on protein structure and function output the following: SIFT: "Not Available"; PolyPhen-2: "Benign"; Align-GVGD: "Not Available". The threonine amino acid residue is found in multiple mammalian species, which suggests that this missense change does not adversely affect protein function. In summary, the available evidence is currently insufficient to determine the role of this variant in disease. Therefore, it has been classified as a Variant of Uncertain Significance.